The following is an entry in ClinVar:

ClinVar aggregate classification (germline): Uncertain significance (1 of 4 stars; one submission).

Conditions:
Episodic ataxia type 2 (EA2). Also called: ACETAZOLAMIDE-RESPONSIVE HEREDITARY PAROXYSMAL CEREBELLAR ATAXIA; ATAXIA, EPISODIC, WITH NYSTAGMUS; ATAXIA, FAMILIAL PAROXYSMAL; CEREBELLAR ATAXIA, PAROXYSMAL, ACETAZOLAMIDE-RESPONSIVE; CEREBELLOPATHY, HEREDITARY PAROXYSMAL; EPISODIC ATAXIA, NYSTAGMUS-ASSOCIATED. Identifiers: Orphanet 97, MedGen C1720416, MONDO:0007163, OMIM 108500.
Developmental and epileptic encephalopathy, 42 (DEE42A). Also called: Epileptic encephalopathy, early infantile, 42; DEVELOPMENTAL AND EPILEPTIC ENCEPHALOPATHY 42A; EPILEPTIC ENCEPHALOPATHY, EARLY INFANTILE, 42A. Identifiers: MedGen C4310716, MONDO:0014917, OMIM 617106.

Submission:

Labcorp Genetics (formerly Invitae), Labcorp
Classification: Uncertain significance for Developmental and epileptic encephalopathy, 42; Episodic ataxia type 2. Last evaluated: 2025-12-15. Review status: criteria provided, single submitter. Criteria: Invitae Variant Classification Sherloc (09022015). Collection method: clinical testing. Allele origin: germline.
Comment: This sequence change replaces glutamine, which is neutral and polar, with leucine, which is neutral and non-polar, at codon 1517 of the CACNA1A protein (p.Gln1517Leu). Information on the frequency of this variant in the gnomAD database is not available, as this variant may be reported differently in the database. This variant has not been reported in the literature in individuals affected with CACNA1A-related conditions. An algorithm developed to predict the effect of missense changes on protein structure and function (PolyPhen-2) suggests that this variant is likely to be disruptive. In summary, the available evidence is currently insufficient to determine the role of this variant in disease. Therefore, it has been classified as a Variant of Uncertain Significance.

NM_001127222.2(CACNA1A):c.4547_4548inv (p.Gln1516Leu)

Gene: CACNA1A (calcium voltage-gated channel subunit alpha1 A; minus strand). Cytogenetic location: 19p13.13.
Variant type: Inversion.
Coding change: c.4547_4548inv on transcript NM_001127222.2 (MANE Select).
Protein change: p.Gln1516Leu; replaces glutamine 1516 with leucine.
Molecular consequence: missense variant.
Genome position: GRCh38 VCF-style: chr19-13257392-TT-AA. GRCh37 (hg19) VCF-style: chr19-13368206-TT-AA.
Other names: c.4559_4560inv, p.Gln1520Leu (NM_000068.4, NM_023035.3); c.4550_4551inv, p.Gln1517Leu (NM_001127221.2, NM_001174080.2); short protein forms Q1520L, Q1517L, Q1516L.
Identifiers: ClinVar variation 4786954 (VCV004786954.1).